The following is an entry in ClinVar:

ClinVar aggregate classification (germline): Conflicting classifications of pathogenicity. Review status: criteria provided, conflicting classifications (1 of 4 stars). 2 submissions from 2 submitters: Likely pathogenic (1); Uncertain significance (1). Last evaluated 2025-09-04.

Conditions:
Long QT syndrome (LQTS). Identifiers: MedGen C0023976, MeSH D008133, MONDO:0002442. Disease mechanism: loss of function. Inheritance: Various modes of inheritance.
Cardiac arrhythmia. Also called: Cardiac rhythm disease; Arrhythmia. Identifiers: MedGen C0003811, MONDO:0007263, HP:0011675.

Submissions (2):

Color Diagnostics, LLC DBA Color Health
Classification: Likely pathogenic for Cardiac arrhythmia. Last evaluated: 2025-09-04. Review status: criteria provided, single submitter. Criteria: ACMG Guidelines, 2015. Collection method: clinical testing. Allele origin: germline.
Comment: This missense variant replaces glycine with aspartic acid at codon 785 of the KCNH2 protein. This variant is located within the cyclic nucleotide binding domain (a.a. 742-842) in the C-terminal cytoplasmic region of the KCNH2 protein. Rare non-truncating variants in this region have been shown to be significantly overrepresented in individuals with long QT syndrome (PMID: 32893267). Computational prediction suggests that this variant may have deleterious impact on protein structure and function. A functional study has shown that compared with wild type, the mutant potassium channel is nonfunctional in homozygous condition and reduces current densities by half in heterozygous condition (PMID: 29146210). This variant has not been identified in the general population by the Genome Aggregation Database (gnomAD). Based on the available evidence, this variant is classified as Likely Pathogenic.

All of Us Research Program, National Institutes of Health
Classification: Uncertain significance for Long QT syndrome. Last evaluated: 2024-01-11. Review status: criteria provided, single submitter. Criteria: ACMG Guidelines, 2015. Collection method: clinical testing. Allele origin: germline. Inheritance: Autosomal dominant inheritance. Observed: 1 variant allele, 1 heterozygote.
Comment: This study involves interpretation of variants in research participants for the purpose of population health screening. Participant phenotype was not available at the time of variant classification. Additional details can be found in publication PMID: 35346344, PMCID: PMC8962531

Literature cited by the submitters: PubMed 29146210 (cited by Color Diagnostics, LLC DBA Color Health); PubMed 32893267 (cited by Color Diagnostics, LLC DBA Color Health).

NM_000238.4(KCNH2):c.2354G>A (p.Gly785Asp)

Gene: KCNH2 (potassium voltage-gated channel subfamily H member 2; minus strand). Cytogenetic location: 7q36.1.
Variant type: single nucleotide variant.
Coding change: c.2354G>A on transcript NM_000238.4 (MANE Select); coding-DNA position 2354, G replaced by A.
Protein change: p.Gly785Asp; replaces glycine 785 with aspartic acid.
Molecular consequence: missense variant. On other transcripts: non-coding transcript variant (2).
Genome position (GRCh38, 1-based): chr7:150,950,212, C>T on the plus strand (G>A on the coding strand, the complement: KCNH2 is on the minus strand). VCF-style: chr7-150950212-C-T. GRCh37 (hg19) VCF-style: chr7-150647300-C-T.
Other names: c.1334G>A, p.Gly445Asp (NM_001204798.2, NM_172057.3); c.2066G>A, p.Gly689Asp (NM_001406753.1, NM_001406756.1); c.2177G>A, p.Gly726Asp (NM_001406755.1); c.2054G>A, p.Gly685Asp (NM_001406757.1); c.2354G>A, p.Gly785Asp (NM_172056.3); short protein forms G445D, G685D, G689D, G726D, G785D.
Identifiers: ClinVar variation 3075218 (VCV003075218.2), dbSNP rs199472996, ClinGen allele CA369856057.